The following is an entry in ClinVar:

ClinVar aggregate classification (germline): Pathogenic/Likely pathogenic. Review status: criteria provided, multiple submitters, no conflicts (2 of 4 stars). 9 submissions from 9 submitters: Pathogenic (1); Likely pathogenic (7). 1 of the submissions does not count toward it. Last evaluated 2026-07-13.

Conditions:
Cardiovascular phenotype. Identifiers: MedGen CN230736.
MYH7-related disorder. Also called: MYH7-related condition; MYH7-related disease; MYH7-related disorders.
Hypertrophic cardiomyopathy 1 (CMH1). Also called: MYH7-Related Familial Hypertrophic Cardiomyopathy; Familial hypertrophic cardiomyopathy 1. Identifiers: MedGen C3495498, MONDO:0008647, OMIM 192600.
Congenital myopathy with fiber type disproportion. Also called: Congenital fiber-type disproportion; Congenital fiber-type disproportion myopathy. Identifiers: Orphanet 2020, MedGen C0546264, MONDO:0009711. Inheritance: all.
Hypertrophic cardiomyopathy. Also called: HYPERTROPHIC MYOCARDIOPATHY. Identifiers: Orphanet 217569, MedGen C0007194, MeSH D002312, MONDO:0005045, HP:0001639.

gnomAD v4.1: 10 of 1,614,150 alleles (0.00062%); highest among the groups gnomAD compares: Non-Finnish European, 0.00085%; no homozygotes.

Submissions (9):

PreventionGenetics, part of Exact Sciences
Classification: Likely pathogenic for MYH7-related condition. Last evaluated: 2026-07-13. Review status: criteria provided, single submitter. Criteria: ACMG Guidelines, 2015. Collection method: clinical testing. Allele origin: germline.
Comment: The MYH7 c.2631G>T variant is predicted to result in the amino acid substitution p.Met877Ile. This variant has been reported in individuals with hypertrophic cardiomyopathy (De Bortoli et al. 2017. PubMed ID: 28699631; Table S2, Sepp et al. 2022. PubMed ID: 35626289; Bianco et al. 2024. DOI 10.3390/cardiogenetics14030010; Table S2, Horgan et al. 2025. PubMed ID: 39694818). This variant has not been reported in a large population database (gnomAD), indicating this variant is rare and is consistently interpreted as likely pathogenic or pathogenic in ClinVar (Variation ID: 417718). Alternate nucleotide changes resulting in the same amino acid substitution (c.2631G>A, c.2631G>C) have been reported in individuals with hypertrophic cardiomyopathy (Table S1A, Walsh et al. 2017. PubMed ID: 27532257). This variant is interpreted as likely pathogenic.

Dasa
Classification: Likely pathogenic. Last evaluated: 2026-01-06. Review status: criteria provided, single submitter. Criteria: DASA Assertion Criteria. Collection method: clinical testing. Allele origin: germline.
Comment: NM_000257.4(MYH7):c.2631G>T (p.Met877Ile) is a missense variant that results in the substitution of methionine with isoleucine. Functional evidence supports a deleterious effect on the gene or gene product (PMID: 27532257; PMID: 27737317; PMID: 28699631). This variant has been recurrently observed in individuals with related phenotype (PMID: 27532257; PMID: 27737317; PMID: 28699631). The variant is present at low frequency in population datasets. Based on the available data, this variant is classified as likely pathogenic.

Labcorp Genetics (formerly Invitae), Labcorp
Classification: Pathogenic for Hypertrophic cardiomyopathy. Last evaluated: 2025-12-21. Review status: criteria provided, single submitter. Criteria: Invitae Variant Classification Sherloc (09022015). Collection method: clinical testing. Allele origin: germline.
Comment: This sequence change replaces methionine, which is neutral and non-polar, with isoleucine, which is neutral and non-polar, at codon 877 of the MYH7 protein (p.Met877Ile). This variant is not present in population databases (gnomAD no frequency). This missense change has been observed in individuals with hypertrophic cardiomyopathy (PMID: 27532257, 27737317, 28699631). It has also been observed to segregate with disease in related individuals. ClinVar contains an entry for this variant (Variation ID: 417718). Invitae Evidence Modeling of protein sequence and biophysical properties (such as structural, functional, and spatial information, amino acid conservation, physicochemical variation, residue mobility, and thermodynamic stability) indicates that this missense variant is expected to disrupt MYH7 protein function with a positive predictive value of 80%. This variant disrupts the p.Met877 amino acid residue in MYH7. Other variant(s) that disrupt this residue have been determined to be pathogenic (PMID: 11133230). This suggests that this residue is clinically significant, and that variants that disrupt this residue are likely to be disease-causing. For these reasons, this variant has been classified as Pathogenic.

Ambry Genetics
Classification: Likely pathogenic for Cardiovascular phenotype. Last evaluated: 2025-07-07. Review status: criteria provided, single submitter. Criteria: Ambry Variant Classification Scheme 2023. Collection method: clinical testing. Allele origin: germline.
Comment: The p.M877I variant (also known as c.2631G>T), located in coding exon 20 of the MYH7 gene, results from a G to T substitution at nucleotide position 2631. The methionine at codon 877 is replaced by isoleucine, an amino acid with highly similar properties. This alteration is located in the myosin head domain, which contains a statistically significant clustering of pathogenic missense variants (Homburger JR et al. Proc Natl Acad Sci U S A, 2016 06;113:6701-6; Walsh R et al. Genet Med, 2017 02;19:192-203; Ambry internal data). This variant was reported in individual(s) with features consistent with hypertrophic cardiomyopathy (HCM) (Melacini P et al. Int. J. Cardiol., 2008 Aug;128:364-73; Mattos BP et al. Arq. Bras. Cardiol., 2016 Sep;107:257-265; De Bortoli M et al. Eur. J. Hum. Genet., 2017 10;25:1165-1169; Walsh R et al. Genet. Med., 2017 02;19:192-203; Wang B et al. Mol Med Rep, 2019 Dec;20:5229-5238). Other variant(s) resulting in the same amino acid change (c.2631G>A, c.2631G>C) have been identified in individual(s) with features consistent with HCM (Walsh R et al. Genet Med, 2017 02;19:192-203; Lorenzini M et al. J Am Coll Cardiol, 2020 08;76:550-559). This amino acid position is highly conserved in available vertebrate species. In addition, the in silico prediction for this alteration is inconclusive. This variant is considered to be rare based on population cohorts in the Genome Aggregation Database (gnomAD). Based on the majority of available evidence to date, this variant is likely to be pathogenic.

Illumina Laboratory Services, Illumina
Classification: Likely pathogenic for Hypertrophic cardiomyopathy 1. Last evaluated: 2023-11-15. Review status: criteria provided, single submitter. Criteria: ICSLVariantClassificationCriteria RUGD 01 April 2020. Collection method: clinical testing. Allele origin: unknown.
Comment: The MYH7 c.2631G>T p.(Met877Ile) variant has been identified in individuals with hypertrophic cardiomyopathy (PMID: 28699631). A different amino acid substitution at the same codon, (p.Met877Lys), has also been reported in individuals with hypertrophic cardiomyopathy (PMID: 11133230; 22429680). The c.2631G>T p.(Met877Ile) variant is located in a known functional domain (PMID: 29300372). This variant is not observed at a significant frequency in version 4.0.0 of the Genome Aggregation Database. Based on the available evidence, the c.2631G>T p.(Met877Ile) variant has been classified as likely pathogenic for hypertrophic cardiomyopathy.

Victorian Clinical Genetics Services, Murdoch Childrens Research Institute
Classification: Likely pathogenic for Hypertrophic cardiomyopathy 1. Last evaluated: 2022-02-02. Review status: criteria provided, single submitter. Criteria: ACMG Guidelines, 2015. Collection method: clinical testing. Allele origin: germline. Inheritance: Autosomal dominant inheritance. Affected: yes.
Comment: Based on the classification scheme VCGS_Germline_v1.3.4, this variant is classified as likely pathogenic. Following criteria are met: 0105 - The mechanism of disease for this gene is not clearly established, however, missense variants have been proposed to act in a dominant negative manner (PMID: 24714796). (I) 0108 - This gene is associated with both recessive and dominant disease. Pathogenic variants in this gene are usually heterozygous, however a recessive inheritance pattern has been observed in severe cases (OMIM). (I) 0112 - The condition associated with this gene has incomplete penetrance (PMID: 29300372). (I) 0200 - Variant is predicted to result in a missense amino acid change from methionine to isoleucine. (I) 0251 - This variant is heterozygous. (I) 0301 - Variant is absent from gnomAD (both v2 and v3). (SP) 0502 - Missense variant with conflicting in silico predictions and uninformative conservation. (I) 0602 - Variant is located in a hotspot region or cluster of pathogenic variants. This variant is found within the head region, which is enriched with pathogenic missense variants (PMID: 29300372). (SP) 0705 - No comparable missense variants have previous evidence for pathogenicity. (I) 0802 - This variant has moderate previous evidence of pathogenicity in unrelated individuals. This variant has been reported in at least six probands with HCM (PMID: 27532257, PMID: 27737317, PMID: 28699631, PMID: 17643520). This variant has also been reported in a compound heterozygous state with another MYH7 missense variant in a HCM proband (PMID: 31638223). (SP) 0903 - This variant has limited evidence for segregation with disease. This variant has been shown to segregate with HCM in three individuals from two families (PMID: 27737317, PMID: 28699631). (SP) 1007 - No published functional evidence has been identified for this variant. (I) 1208 - Inheritance information for this variant is not currently available in this individual. (I) Legend: (SP) - Supporting pathogenic, (I) - Information, (SB) - Supporting benign

Genetics and Molecular Pathology, SA Pathology
Classification: Likely pathogenic for Hypertrophic cardiomyopathy 1. Last evaluated: 2021-07-12. Review status: criteria provided, single submitter. Criteria: ACMG Guidelines, 2015. Collection method: clinical testing. Allele origin: germline. Affected: yes.

Centre for Mendelian Genomics, University Medical Centre Ljubljana
Classification: Likely pathogenic for Congenital myopathy 4A, autosomal dominant. Last evaluated: 2016-01-01. Review status: criteria provided, single submitter. Criteria: ACMG Guidelines, 2015. Collection method: clinical testing. Allele origin: unknown. Affected: yes.
Comment: This variant was classified as: Likely pathogenic. The following ACMG criteria were applied in classifying this variant: PS1,PM2,PP2,PP3.

Rampazzo Lab,  Human Molecular Genetics Unit, University of Padua
Classification: Pathogenic for Hypertrophic Cardiomyopathy. Last evaluated: 2017-04-18. Review status: no assertion criteria provided. Collection method: research. Allele origin: inherited. Inheritance: Autosomal dominant inheritance. Affected: yes. Observed: 6 variant alleles. Not counted in ClinVar's aggregate classification.
Comment: More HCM patients from different families carrying this variation. This variant is absent in different population databases (dbSNP , Exome Aggregation Consortium ; 1000 Genomes Project and Exome Variant Server) moreover it involves a highly conserved residue in subfragment 2 domain of the neck region of the myosin protein.

Literature cited by the submitters: PubMed 27532257 (cited by 4 submitters); PubMed 27737317 (cited by 4 submitters); PubMed 28699631 (cited by 5 submitters); PubMed 11133230 (cited by 3 submitters); PubMed 17643520 (cited by Ambry Genetics and Victorian Clinical Genetics Services, Murdoch Childrens Research Institute); PubMed 31638223 (cited by Ambry Genetics and Victorian Clinical Genetics Services, Murdoch Childrens Research Institute); PubMed 22429680 (cited by Illumina Laboratory Services, Illumina); PubMed 29300372 (cited by Illumina Laboratory Services, Illumina and Victorian Clinical Genetics Services, Murdoch Childrens Research Institute); PubMed 24714796 (cited by Victorian Clinical Genetics Services, Murdoch Childrens Research Institute).

NM_000257.4(MYH7):c.2631G>T (p.Met877Ile)

Genes: MYH7 (myosin heavy chain 7; minus strand), LOC126861898 (BRD4-independent group 4 enhancer GRCh37_chr14:23893609-23894808; plus strand). Cytogenetic location: 14q11.2.
Variant type: single nucleotide variant.
Coding change: c.2631G>T on transcript NM_000257.4 (MANE Select); coding-DNA position 2631, G replaced by T.
Protein change: p.Met877Ile; replaces methionine 877 with isoleucine.
Molecular consequence: missense variant.
Genome position (GRCh38, 1-based): chr14:23,424,817, C>A on the plus strand (G>T on the coding strand, the complement: MYH7 is on the minus strand). VCF-style: chr14-23424817-C-A. GRCh37 (hg19) VCF-style: chr14-23894026-C-A.
Other names: c.2631G>T (NM_000257.2); short protein forms M877I.
Identifiers: ClinVar variation 417718 (VCV000417718.19), dbSNP rs1060505018, ClinGen allele CA16609633.